The following is an entry in ClinVar:

NM_000081.4(LYST):c.10664C>T (p.Pro3555Leu)

Gene: LYST (lysosomal trafficking regulator; minus strand). Cytogenetic location: 1q42.3.
Variant type: single nucleotide variant.
Coding change: c.10664C>T on transcript NM_000081.4 (MANE Select); coding-DNA position 10664, C replaced by T.
Protein change: p.Pro3555Leu; replaces proline 3555 with leucine.
Molecular consequence: missense variant.
Genome position (GRCh38, 1-based): chr1:235,693,387, G>A on the plus strand (C>T on the coding strand, the complement: LYST is on the minus strand). VCF-style: chr1-235693387-G-A. GRCh37 (hg19) VCF-style: chr1-235856687-G-A.
Other names: c.10664C>T, p.Pro3555Leu (NM_001301365.1); short protein forms P3555L.
Identifiers: ClinVar variation 1353900 (VCV001353900.7), dbSNP rs2527257896, ClinGen allele CA344926099.

ClinVar aggregate classification (germline): Uncertain significance (1 of 4 stars; one submission).

Conditions:
Chédiak-Higashi syndrome (CHS). Also called: Chediak-Higashi Syndrome. Identifiers: Orphanet 167, MedGen C0007965, MONDO:0008963, OMIM 214500.

Submission:

Labcorp Genetics (formerly Invitae), Labcorp
Classification: Uncertain significance for Chédiak-Higashi syndrome. Last evaluated: 2020-12-04. Review status: criteria provided, single submitter. Criteria: Invitae Variant Classification Sherloc (09022015). Collection method: clinical testing. Allele origin: germline.
Comment: In summary, the available evidence is currently insufficient to determine the role of this variant in disease. Therefore, it has been classified as a Variant of Uncertain Significance. Algorithms developed to predict the effect of missense changes on protein structure and function are either unavailable or do not agree on the potential impact of this missense change (SIFT: "Tolerated"; PolyPhen-2: "Probably Damaging"; Align-GVGD: "Class C0"). This variant has not been reported in the literature in individuals with LYST-related conditions. This variant is not present in population databases (ExAC no frequency). This sequence change replaces proline with leucine at codon 3555 of the LYST protein (p.Pro3555Leu). The proline residue is moderately conserved and there is a moderate physicochemical difference between proline and leucine.